The following is an entry in ClinVar:

NM_198282.4(STING1):c.759+3A>G

Gene: STING1 (stimulator of interferon response cGAMP interactor 1; minus strand). Cytogenetic location: 5q31.2.
Variant type: single nucleotide variant.
Coding change: c.759+3A>G on transcript NM_198282.4 (MANE Select); 3 bases into the intron after coding-DNA position 759, A replaced by G.
Molecular consequence: intron variant.
Genome position (GRCh38, 1-based): chr5:139,478,267, T>C on the plus strand (A>G on the coding strand, the complement: STING1 is on the minus strand). VCF-style: chr5-139478267-T-C. GRCh37 (hg19) VCF-style: chr5-138857852-T-C.
Other names: c.402+3A>G (NM_001367258.1); c.759+3A>G (NM_001301738.2).
Identifiers: ClinVar variation 1991718 (VCV001991718.4), dbSNP rs894230225, ClinGen allele CA128747995.
Genomic context (GRCh38, chr5:139,478,267, plus strand): 5'-TAGGGCCCAGGGTTCTGGGGTCCTGACCCCTCCTCAGAGACCCCCACTCCCCTGCACACT[T>C]ACCCGCTGCCCGTTCTCCAGAAGCTCATAGATGCTGTTGCTGTAAACCCGATCCTTGATG-3'

ClinVar aggregate classification (germline): Uncertain significance (1 of 4 stars; one submission).

Conditions:
STING-associated vasculopathy with onset in infancy. Also called: Sting-associated vasculopathy, infantile-onset. Identifiers: Orphanet 425120, MedGen C4014722, MONDO:0014405, OMIM 615934.

Allele frequency attached by ClinVar (database versions not stated): TOPMed 0.00001; gnomAD 0.00001; gnomAD exomes 0.00001.
gnomAD v4.1: 18 of 1,610,592 alleles (0.0011%); highest among the groups gnomAD compares: Non-Finnish European, 0.0014%; no homozygotes.

Submission:

Labcorp Genetics (formerly Invitae), Labcorp
Classification: Uncertain significance for STING-associated vasculopathy with onset in infancy. Last evaluated: 2025-12-15. Review status: criteria provided, single submitter. Criteria: Invitae Variant Classification Sherloc (09022015). Collection method: clinical testing. Allele origin: germline.
Comment: This sequence change falls in intron 6 of the TMEM173 gene. It does not directly change the encoded amino acid sequence of the TMEM173 protein. It affects a nucleotide within the consensus splice site. This variant is present in population databases (no rsID available, gnomAD 0.007%). This variant has not been reported in the literature in individuals affected with TMEM173-related conditions. ClinVar contains an entry for this variant (Variation ID: 1991718). Variants that disrupt the consensus splice site are a relatively common cause of aberrant splicing (PMID: 17576681, 9536098). Algorithms developed to predict the effect of sequence changes on RNA splicing suggest that this variant is not likely to affect RNA splicing. In summary, the available evidence is currently insufficient to determine the role of this variant in disease. Therefore, it has been classified as a Variant of Uncertain Significance.

Literature cited by the submitters: PubMed 17576681; PubMed 9536098.